The following is an entry in ClinVar:

NM_001077653.2(TBX20):c.1169A>G (p.Tyr390Cys)

Gene: TBX20 (T-box transcription factor 20; minus strand). Cytogenetic location: 7p14.2.
Variant type: single nucleotide variant.
Coding change: c.1169A>G on transcript NM_001077653.2 (MANE Select); coding-DNA position 1169, A replaced by G.
Protein change: p.Tyr390Cys; replaces tyrosine 390 with cysteine.
Molecular consequence: missense variant.
Genome position (GRCh38, 1-based): chr7:35,202,605, T>C on the plus strand (A>G on the coding strand, the complement: TBX20 is on the minus strand). VCF-style: chr7-35202605-T-C. GRCh37 (hg19) VCF-style: chr7-35242217-T-C.
Other names: short protein forms Y390C.
Identifiers: ClinVar variation 2874453 (VCV002874453.3), dbSNP rs2546980925, ClinGen allele CA367263068.

ClinVar aggregate classification (germline): Uncertain significance (1 of 4 stars; one submission).

Allele frequency attached by ClinVar (database versions not stated): gnomAD exomes below 0.00001.
gnomAD v4.1: 3 of 1,613,934 alleles (0.00019%); highest among the groups gnomAD compares: Non-Finnish European, 0.00017%; no homozygotes.

Submission:

Labcorp Genetics (formerly Invitae), Labcorp
Classification: Uncertain significance. Last evaluated: 2024-03-03. Review status: criteria provided, single submitter. Criteria: Invitae Variant Classification Sherloc (09022015). Collection method: clinical testing. Allele origin: germline.
Comment: This sequence change replaces tyrosine, which is neutral and polar, with cysteine, which is neutral and slightly polar, at codon 390 of the TBX20 protein (p.Tyr390Cys). This variant is not present in population databases (gnomAD no frequency). This variant has not been reported in the literature in individuals affected with TBX20-related conditions. Advanced modeling of protein sequence and biophysical properties (such as structural, functional, and spatial information, amino acid conservation, physicochemical variation, residue mobility, and thermodynamic stability) performed at Invitae indicates that this missense variant is not expected to disrupt TBX20 protein function with a negative predictive value of 80%. In summary, the available evidence is currently insufficient to determine the role of this variant in disease. Therefore, it has been classified as a Variant of Uncertain Significance.